The following is an entry in ClinVar:

ClinVar aggregate classification (germline): Benign/Likely benign. Review status: criteria provided, multiple submitters, no conflicts (2 of 4 stars). 4 submissions from 4 submitters: Benign (1); Likely benign (3). Last evaluated 2026-06-30.

Conditions:
Sessile serrated polyposis cancer syndrome (SSPCS). Identifiers: Orphanet 157798, MedGen C4310714, MONDO:0014919, OMIM 617108.

Allele frequency attached by ClinVar (database versions not stated): ExAC 0.00002; gnomAD exomes 0.00001.
gnomAD v4.1: 8 of 1,612,148 alleles (0.0005%); highest among the groups gnomAD compares: South Asian, 0.0066%; no homozygotes.

Submissions (4):

Myriad Genetics, Inc.
Classification: Benign for Sessile serrated polyposis cancer syndrome. Last evaluated: 2026-06-30. Review status: criteria provided, single submitter. Criteria: Myriad Autosomal Dominant, Autosomal Recessive and X-Linked Classification Criteria (2023). Collection method: clinical testing. Allele origin: unknown.
Comment: This variant is considered benign. This variant is a silent/synonymous amino acid change and it is not expected to impact splicing.

Center for Genomic Medicine, Rigshospitalet, Copenhagen University Hospital
Classification: Likely benign. Last evaluated: 2025-12-29. Review status: criteria provided, single submitter. Criteria: ACMG Guidelines, 2015. Collection method: clinical testing. Allele origin: germline.

Ambry Genetics
Classification: Likely benign. Last evaluated: 2025-03-10. Review status: criteria provided, single submitter. Criteria: Ambry Variant Classification Scheme 2023. Collection method: clinical testing. Allele origin: germline.

Labcorp Genetics (formerly Invitae), Labcorp
Classification: Likely benign. Last evaluated: 2023-09-12. Review status: criteria provided, single submitter. Criteria: Invitae Variant Classification Sherloc (09022015). Collection method: clinical testing. Allele origin: germline.

NM_017763.6(RNF43):c.633G>A (p.Val211=)

Gene: RNF43 (ring finger protein 43; minus strand). Cytogenetic location: 17q22.
Variant type: single nucleotide variant.
Coding change: c.633G>A on transcript NM_017763.6 (MANE Select); coding-DNA position 633, G replaced by A.
Protein change: p.Val211=; no amino-acid change (valine 211 retained).
Molecular consequence: synonymous variant.
Genome position (GRCh38, 1-based): chr17:58,362,598, C>T on the plus strand (G>A on the coding strand, the complement: RNF43 is on the minus strand). VCF-style: chr17-58362598-C-T. GRCh37 (hg19) VCF-style: chr17-56439959-C-T.
Other names: c.633G>A, p.Val211= (NM_001305544.3); c.252G>A, p.Val84= (NM_001305545.2).
Identifiers: ClinVar variation 2886998 (VCV002886998.6), dbSNP rs376160248, ClinGen allele CA8673362.